The following is an entry in ClinVar:

NM_032242.4(PLXNA1):c.4691C>T (p.Ala1564Val)

Gene: PLXNA1 (plexin A1; plus strand). Cytogenetic location: 3q21.3.
Variant type: single nucleotide variant.
Coding change: c.4691C>T on transcript NM_032242.4 (MANE Select); coding-DNA position 4691, C replaced by T.
Protein change: p.Ala1564Val; replaces alanine 1564 with valine.
Molecular consequence: missense variant.
Genome position (GRCh38, 1-based): chr3:127,029,014, C>T. VCF-style: chr3-127029014-C-T. GRCh37 (hg19) VCF-style: chr3-126747857-C-T.
Other names: c.4691C>T (NM_032242.3); short protein forms A1564V.
Identifiers: ClinVar variation 1678234 (VCV001678234.2), dbSNP rs200721943, ClinGen allele CA2594468.
Genomic context (GRCh38, chr3:127,029,014, plus strand): 5'-GCCCCAGCGGCCCCACCCTCCAGCTCCCTCCTCCCCCAGAGTGGCGCCAGGGCCGCATGG[C>T]GCGCATCATCCTGCAGGACGAGGACGTCACCACCAAGATTGACAACGATTGGAAGAGGCT-3'
Protein context (NP_115618.3, residues 1554-1574): MDLEWRQGRM[Ala1564Val]RIILQDEDVT

ClinVar aggregate classification (germline): Uncertain significance. Review status: criteria provided, multiple submitters, no conflicts (2 of 4 stars). 2 submissions from 2 submitters: Uncertain significance (2). Last evaluated 2026-06-22.

Conditions:
PLXNA1-related disorder. Also called: PLXNA1-related condition.

Allele frequency attached by ClinVar (database versions not stated): gnomAD exomes 0.00001; TOPMed 0.00001; ExAC 0.00002; gnomAD 0.00002.
gnomAD v4.1: 11 of 1,613,084 alleles (0.00068%); highest among the groups gnomAD compares: African/African-American, 0.0053%; no homozygotes.

Submissions (2):

PreventionGenetics, part of Exact Sciences
Classification: Uncertain significance for PLXNA1-related condition. Last evaluated: 2026-06-22. Review status: criteria provided, single submitter. Criteria: ACMG Guidelines, 2015. Collection method: clinical testing. Allele origin: germline.
Comment: The PLXNA1 c.4691C>T variant is predicted to result in the amino acid substitution p.Ala1564Val. To our knowledge, this variant has not been reported in the literature. This variant is reported in 0.012% of alleles in individuals of African descent in gnomAD. At this time, the clinical significance of this variant is uncertain due to the absence of conclusive functional and genetic evidence.

AiLife Diagnostics
Classification: Uncertain significance. Last evaluated: 2020-05-20. Review status: criteria provided, single submitter. Criteria: ACMG Guidelines, 2015. Collection method: clinical testing. Allele origin: germline. Affected: yes. Observed: 1 variant allele.